The following is an entry in ClinVar:

ClinVar aggregate classification (germline): Uncertain significance. Review status: criteria provided, multiple submitters, no conflicts (2 of 4 stars). 5 submissions from 5 submitters: Uncertain significance (5). Last evaluated 2025-12-23.

Conditions:
APC2-related disorder. Also called: APC2-Related Disorders; APC2-related condition.
Inborn genetic diseases. Identifiers: MedGen C0950123, MeSH D030342.
Intellectual developmental disorder, autosomal recessive 74 (MRT74). Also called: Sotos syndrome 3. Identifiers: MedGen C4310684, MONDO:0014951, OMIM 617169.
Cortical dysplasia, complex, with other brain malformations 10. Identifiers: MedGen C5231458, MONDO:0032866, OMIM 618677.

Allele frequency attached by ClinVar (database versions not stated): ExAC below 0.00001; gnomAD exomes 0.00010; gnomAD 0.00084 and 0.00092; TOPMed 0.00100; 1000 Genomes Project 0.00120; 1000 Genomes Project 30x 0.00141.
gnomAD v4.1: 237 of 1,314,972 alleles (0.018%); highest among the groups gnomAD compares: African/African-American, 0.35%; no homozygotes.

Submissions (5):

PreventionGenetics, part of Exact Sciences
Classification: Uncertain significance for APC2-related condition. Last evaluated: 2025-12-23. Review status: criteria provided, single submitter. Criteria: ACMG Guidelines, 2015. Collection method: clinical testing. Allele origin: germline.
Comment: The APC2 c.3979C>T variant is predicted to result in the amino acid substitution p.Pro1327Ser. To our knowledge, this variant has not been reported in the literature. This variant is reported in 0.13% of alleles in individuals of African descent in gnomAD. Although we suspect that this variant could be benign, at this time, the clinical significance of this variant is uncertain due to the absence of conclusive functional and genetic evidence.

Ambry Genetics
Classification: Uncertain significance for Inborn genetic diseases. Last evaluated: 2024-10-12. Review status: criteria provided, single submitter. Criteria: Ambry Variant Classification Scheme 2023. Collection method: clinical testing. Allele origin: germline.

GeneDx
Classification: Uncertain significance. Last evaluated: 2023-11-13. Review status: criteria provided, single submitter. Criteria: GeneDx Variant Classification Process June 2021. Collection method: clinical testing. Allele origin: germline. Affected: yes.
Comment: In silico analysis supports that this missense variant does not alter protein structure/function; Has not been previously published as pathogenic or benign to our knowledge

Labcorp Genetics (formerly Invitae), Labcorp
Classification: Uncertain significance. Last evaluated: 2022-07-27. Review status: criteria provided, single submitter. Criteria: Invitae Variant Classification Sherloc (09022015). Collection method: clinical testing. Allele origin: germline.
Comment: This sequence change replaces proline, which is neutral and non-polar, with serine, which is neutral and polar, at codon 1327 of the APC2 protein (p.Pro1327Ser). This variant is present in population databases (rs535779056, gnomAD 0.1%). This variant has not been reported in the literature in individuals affected with APC2-related conditions. ClinVar contains an entry for this variant (Variation ID: 978190). Algorithms developed to predict the effect of missense changes on protein structure and function output the following: SIFT: "Tolerated"; PolyPhen-2: "Benign"; Align-GVGD: "Class C0". The serine amino acid residue is found in multiple mammalian species, which suggests that this missense change does not adversely affect protein function. In summary, the available evidence is currently insufficient to determine the role of this variant in disease. Therefore, it has been classified as a Variant of Uncertain Significance.

New York Genome Center
Classification: Uncertain significance for Cortical dysplasia, complex, with other brain malformations 10; Intellectual developmental disorder, autosomal recessive 74. Last evaluated: 2019-12-24. Review status: criteria provided, single submitter. Criteria: NYGC Assertion Criteria 2020. Collection method: clinical testing. Allele origin: germline. Observed: 1 heterozygote. Study: CSER-NYCKidSeq.
Comment: The c.3979C>T (p.Pro1327Ser) variant identified in the APC2 gene substitutes a Proline that is completely conserved in mammals for a Serine at amino acid 1327/2304 (coding exon 15/15).This variant is found with low frequency in gnomAD (11 heterozygotes, 0 homozygotes; allele frequency: 3.37e-4) suggesting it is not a common benign variant in the populations represented in this database. In silico algorithms predict this variant to be Neutral (Provean; score: -0.69) and Tolerated (SIFT; score: 0.473) to the function of the canonical transcript. This variant is absent from ClinVar and to our current knowledge has not been identified in affected individuals in the literature. Given the lack of compelling evidence for its pathogenicity, the c.3979C>T (p.Pro1327Ser) variant is reported as a Variant of Uncertain Significance.

NM_005883.3(APC2):c.3979C>T (p.Pro1327Ser)

Gene: APC2 (APC regulator of Wnt signaling pathway 2; plus strand). Cytogenetic location: 19p13.3.
Variant type: single nucleotide variant.
Coding change: c.3979C>T on transcript NM_005883.3 (MANE Select); coding-DNA position 3979, C replaced by T.
Protein change: p.Pro1327Ser; replaces proline 1327 with serine.
Molecular consequence: missense variant.
Genome position (GRCh38, 1-based): chr19:1,467,280, C>T. VCF-style: chr19-1467280-C-T. GRCh37 (hg19) VCF-style: chr19-1467279-C-T.
Other names: c.3976C>T, p.Pro1326Ser (NM_001351273.1); short protein forms P1326S, P1327S.
Identifiers: ClinVar variation 978190 (VCV000978190.8), dbSNP rs535779056, ClinGen allele CA9045782.